The following is an entry in ClinVar:

ClinVar aggregate classification (germline): Conflicting classifications of pathogenicity. Review status: criteria provided, conflicting classifications (1 of 4 stars). 2 submissions from 2 submitters: Uncertain significance (1); Likely benign (1). Last evaluated 2025-03-01.

Conditions:
LAMA2-related muscular dystrophy (LAMA2-RD). Also called: Laminin alpha 2-related dystrophy. Identifiers: MedGen C5679788, MONDO:0100228.

Allele frequency attached by ClinVar (database versions not stated): gnomAD exomes below 0.00001; TOPMed below 0.00001; gnomAD 0.00001.
gnomAD v4.1: 7 of 1,610,848 alleles (0.00043%); highest among the groups gnomAD compares: Non-Finnish European, 0.00059%; no homozygotes.

Submissions (2):

CeGaT Center for Human Genetics Tuebingen
Classification: Uncertain significance. Last evaluated: 2025-03-01. Review status: criteria provided, single submitter. Criteria: CeGaT Center For Human Genetics Tuebingen Variant Classification Criteria Version 2. Collection method: clinical testing. Allele origin: germline. Affected: yes. Observed: 1 variant allele.
Comment: LAMA2: PM2, BP4

Labcorp Genetics (formerly Invitae), Labcorp
Classification: Likely benign for LAMA2-related muscular dystrophy. Last evaluated: 2023-12-11. Review status: criteria provided, single submitter. Criteria: Invitae Variant Classification Sherloc (09022015). Collection method: clinical testing. Allele origin: germline.

NM_000426.4(LAMA2):c.4959+8G>A

Gene: LAMA2 (laminin subunit alpha 2; plus strand). Cytogenetic location: 6q22.33.
Variant type: single nucleotide variant.
Coding change: c.4959+8G>A on transcript NM_000426.4 (MANE Select); 8 bases into the intron after coding-DNA position 4959, G replaced by A.
Molecular consequence: intron variant.
Genome position (GRCh38, 1-based): chr6:129,369,998, G>A. VCF-style: chr6-129369998-G-A. GRCh37 (hg19) VCF-style: chr6-129691143-G-A.
Other names: c.4959+8G>A (NM_001079823.2).
Identifiers: ClinVar variation 1647312 (VCV001647312.15), dbSNP rs1777983774, ClinGen allele CA1094379619.